The following is an entry in ClinVar:

ClinVar aggregate classification (germline): Uncertain significance (1 of 4 stars; one submission).

Conditions:
Mosaic variegated aneuploidy syndrome 1 (MVA1). Also called: Warburton-Anyane-Yeboa syndrome. Identifiers: Orphanet 1052, MedGen C1850343, MONDO:0009759, OMIM 257300.

Allele frequency attached by ClinVar (database versions not stated): ExAC 0.00001; gnomAD 0.00001; gnomAD exomes 0.00001; TOPMed 0.00002.
gnomAD v4.1: 9 of 1,613,256 alleles (0.00056%); highest among the groups gnomAD compares: Admixed American, 0.0017%; no homozygotes.

Submission:

Labcorp Genetics (formerly Invitae), Labcorp
Classification: Uncertain significance for Mosaic variegated aneuploidy syndrome 1. Last evaluated: 2024-08-21. Review status: criteria provided, single submitter. Criteria: Invitae Variant Classification Sherloc (09022015). Collection method: clinical testing. Allele origin: germline.
Comment: This sequence change replaces glutamic acid, which is acidic and polar, with lysine, which is basic and polar, at codon 431 of the BUB1B protein (p.Glu431Lys). This variant is present in population databases (rs781689041, gnomAD 0.003%). This variant has not been reported in the literature in individuals affected with BUB1B-related conditions. ClinVar contains an entry for this variant (Variation ID: 1379757). An algorithm developed to predict the effect of missense changes on protein structure and function (PolyPhen-2) suggests that this variant is likely to be disruptive. In summary, the available evidence is currently insufficient to determine the role of this variant in disease. Therefore, it has been classified as a Variant of Uncertain Significance.

NM_001211.6(BUB1B):c.1291G>A (p.Glu431Lys)

Gene: BUB1B (BUB1 mitotic checkpoint serine/threonine kinase B; plus strand). Cytogenetic location: 15q15.1.
Variant type: single nucleotide variant.
Coding change: c.1291G>A on transcript NM_001211.6 (MANE Select); coding-DNA position 1291, G replaced by A.
Protein change: p.Glu431Lys; replaces glutamic acid 431 with lysine.
Molecular consequence: missense variant.
Genome position (GRCh38, 1-based): chr15:40,199,617, G>A. VCF-style: chr15-40199617-G-A. GRCh37 (hg19) VCF-style: chr15-40491818-G-A.
Other names: short protein forms E431K.
Identifiers: ClinVar variation 1379757 (VCV001379757.6), dbSNP rs781689041, ClinGen allele CA7475701.
Genomic context (GRCh38, chr15:40,199,617, plus strand): 5'-TTTTGACAGAATGAGTTACTATGAGGAATAATACCTCAAGCAACTTTACTGTTTCTAGCC[G>A]AGCTATTGACCAGTGCAGAGAAGAGAGCAGAAATGCAGAAACAGATTGAAGAGATGGAGA-3'
Protein context (NP_001202.5, residues 421-441): RKKLKEQREA[Glu431Lys]LLTSAEKRAE